The following is an entry in ClinVar:

ClinVar aggregate classification (germline): Uncertain significance. Review status: criteria provided, multiple submitters, no conflicts (2 of 4 stars). 2 submissions from 2 submitters: Uncertain significance (2). Last evaluated 2024-09-10.

Allele frequency attached by ClinVar (database versions not stated): TOPMed 0.00002; ESP Exome Variant Server 0.00008.
gnomAD v4.1: 8 of 1,613,020 alleles (0.0005%); highest among the groups gnomAD compares: Non-Finnish European, 0.00059%; no homozygotes.

Submissions (2):

Ambry Genetics
Classification: Uncertain significance. Last evaluated: 2024-09-10. Review status: criteria provided, single submitter. Criteria: Ambry Variant Classification Scheme 2023. Collection method: clinical testing. Allele origin: germline.
Comment: The p.R539H variant (also known as c.1616G>A), located in coding exon 12 of the RECQL gene, results from a G to A substitution at nucleotide position 1616. The arginine at codon 539 is replaced by histidine, an amino acid with highly similar properties. This amino acid position is highly conserved in available vertebrate species. In addition, the in silico prediction for this alteration is inconclusive. The evidence for this gene-disease relationship is limited; therefore, the clinical significance of this alteration is unclear.

Labcorp Genetics (formerly Invitae), Labcorp
Classification: Uncertain significance. Last evaluated: 2024-08-22. Review status: criteria provided, single submitter. Criteria: Invitae Variant Classification Sherloc (09022015). Collection method: clinical testing. Allele origin: germline.
Comment: This sequence change replaces arginine, which is basic and polar, with histidine, which is basic and polar, at codon 539 of the RECQL protein (p.Arg539His). This variant is present in population databases (rs367657766, gnomAD 0.003%). This variant has not been reported in the literature in individuals affected with RECQL-related conditions. ClinVar contains an entry for this variant (Variation ID: 1010029). Invitae Evidence Modeling of protein sequence and biophysical properties (such as structural, functional, and spatial information, amino acid conservation, physicochemical variation, residue mobility, and thermodynamic stability) has been performed for this missense variant. However, the output from this modeling did not meet the statistical confidence thresholds required to predict the impact of this variant on RECQL protein function. In summary, the available evidence is currently insufficient to determine the role of this variant in disease. Therefore, it has been classified as a Variant of Uncertain Significance.

NM_002907.4(RECQL):c.1616G>A (p.Arg539His)

Gene: RECQL (RecQ like helicase; minus strand). Cytogenetic location: 12p12.1.
Variant type: single nucleotide variant.
Coding change: c.1616G>A on transcript NM_002907.4 (MANE Select); coding-DNA position 1616, G replaced by A.
Protein change: p.Arg539His; replaces arginine 539 with histidine.
Molecular consequence: missense variant.
Genome position (GRCh38, 1-based): chr12:21,471,479, C>T on the plus strand (G>A on the coding strand, the complement: RECQL is on the minus strand). VCF-style: chr12-21471479-C-T. GRCh37 (hg19) VCF-style: chr12-21624413-C-T.
Other names: c.1616G>A, p.Arg539His (NM_032941.3); short protein forms R539H.
Identifiers: ClinVar variation 1010029 (VCV001010029.10), dbSNP rs367657766, ClinGen allele CA233565277.
Genomic context (GRCh38, chr12:21,471,479, plus strand): 5'-TGTACATACTTAAGATACTGCTGTATTAGAAAGTGTGCAATAATCTTCTCCAGATCTTCA[C>T]GAGGAAGTGTGGGAGCCACAACACCTGCTACTCTCAGTTTTGCTGCACCCTTTCCCATCC-3'
Protein context (NP_002898.2, residues 529-549): VAGVVAPTLP[Arg539His]EDLEKIIAHF